The following is an entry in ClinVar:

NM_000152.5(GAA):c.1378G>T (p.Glu460Ter)

Gene: GAA (alpha glucosidase; plus strand). Cytogenetic location: 17q25.3.
Variant type: single nucleotide variant.
Coding change: c.1378G>T on transcript NM_000152.5 (MANE Select); coding-DNA position 1378, G replaced by T.
Protein change: p.Glu460Ter; replaces glutamic acid 460 with a stop codon.
Molecular consequence: nonsense.
Genome position (GRCh38, 1-based): chr17:80,109,996, G>T. VCF-style: chr17-80109996-G-T. GRCh37 (hg19) VCF-style: chr17-78083795-G-T.
Other names: c.1378G>T, p.Glu460Ter (NM_001079803.3, NM_001079804.3, NM_001406741.1 and 1 more transcripts); short protein forms E460*.
Identifiers: ClinVar variation 4876482 (VCV004876482.1).

ClinVar aggregate classification (germline): Likely pathogenic (1 of 4 stars; one submission).

Conditions:
Glycogen storage disease, type II (IOPD). Also called: Pompe Disease; CARDIOMEGALIA GLYCOGENICA DIFFUSA; GLYCOGENOSIS, GENERALIZED, CARDIAC FORM; GSD II; POMPE DISEASE, INFANTILE-ONSET; GLYCOGEN STORAGE DISEASE II, INFANTILE-ONSET. Identifiers: Orphanet 365, MedGen C0017921, MONDO:0009290, OMIM 232300.

Submission:

Genomenon, Inc
Classification: Likely pathogenic for Glycogen storage disease, type II. Last evaluated: 2026-07-01. Review status: criteria provided, single submitter. Criteria: Genomenon Sequence Variant Interpretation Standards - Updated. Collection method: curation. Allele origin: germline. Affected: no.
Comment: GAA p.Glu460Ter (c.1378G>T) is a nonsense variant that introduces a premature stop codon at amino acid position 460 and is predicted to result in a truncated or absent protein product. This variant has been reported in the published literature (PMID:31342611;30155607;33560568). It is absent or not present at a significant frequency in gnomAD. In conclusion, we classify GAA p.Glu460Ter (c.1378G>T) as a likely pathogenic variant.

Literature cited by the submitters: PubMed 31342611; PubMed 30155607; PubMed 33560568.